The following is an entry in ClinVar:

ClinVar aggregate classification (germline): Likely benign (0 of 4 stars; one submission).

Conditions:
MAGI2-related disorder. Also called: MAGI2-related condition.

Allele frequency attached by ClinVar (database versions not stated): ExAC 0.00002; gnomAD 0.00002; TOPMed 0.00005; gnomAD exomes 0.00008.
gnomAD v4.1: 125 of 1,613,434 alleles (0.0077%); highest among the groups gnomAD compares: Non-Finnish European, 0.0091%; no homozygotes.

Submission:

PreventionGenetics, part of Exact Sciences
Classification: Likely benign for MAGI2-related condition. Last evaluated: 2023-12-14. Review status: no assertion criteria provided. Collection method: clinical testing. Allele origin: germline.
Comment: This variant is classified as likely benign based on ACMG/AMP sequence variant interpretation guidelines (Richards et al. 2015 PMID: 25741868, with internal and published modifications).

NM_012301.4(MAGI2):c.2595A>G (p.Gly865=)

Gene: MAGI2 (membrane associated guanylate kinase, WW and PDZ domain containing 2; minus strand). Cytogenetic location: 7q21.11.
Variant type: single nucleotide variant.
Coding change: c.2595A>G on transcript NM_012301.4 (MANE Select); coding-DNA position 2595, A replaced by G.
Protein change: p.Gly865=; no amino-acid change (glycine 865 retained).
Molecular consequence: synonymous variant.
Genome position (GRCh38, 1-based): chr7:78,167,917, T>C on the plus strand (A>G on the coding strand, the complement: MAGI2 is on the minus strand). VCF-style: chr7-78167917-T-C. GRCh37 (hg19) VCF-style: chr7-77797234-T-C.
Other names: c.2553A>G, p.Gly851= (NM_001301128.2).
Identifiers: ClinVar variation 3032278 (VCV003032278.2), dbSNP rs761977129, ClinGen allele CA4313730.